The following is an entry in ClinVar:

NM_001018115.3(FANCD2):c.1718T>C (p.Ile573Thr)

Genes: FANCD2 (FA complementation group D2; plus strand), LOC107303338 (3p25 FANCD2 Alu-mediated recombination region; plus strand). Cytogenetic location: 3p25.3.
Variant type: single nucleotide variant.
Coding change: c.1718T>C on transcript NM_001018115.3 (MANE Select); coding-DNA position 1718, T replaced by C.
Protein change: p.Ile573Thr; replaces isoleucine 573 with threonine.
Molecular consequence: missense variant.
Genome position (GRCh38, 1-based): chr3:10,060,355, T>C. VCF-style: chr3-10060355-T-C. GRCh37 (hg19) VCF-style: chr3-10102039-T-C.
Other names: c.1718T>C, p.Ile573Thr (NM_001319984.2, NM_001374254.1, NM_033084.6); c.1607T>C, p.Ile536Thr (NM_001374253.1); short protein forms I536T, I573T.
Identifiers: ClinVar variation 1482349 (VCV001482349.7), dbSNP rs774801047, ClinGen allele CA2249769.

ClinVar aggregate classification (germline): Uncertain significance. Review status: criteria provided, multiple submitters, no conflicts (2 of 4 stars). 2 submissions from 2 submitters: Uncertain significance (2). Last evaluated 2024-05-13.

Conditions:
Fanconi anemia (FA). Also called: Fanconi's anemia. Identifiers: Orphanet 84, MedGen C0015625, MeSH D005199, MONDO:0019391.
Fanconi anemia complementation group D2. Also called: FANCONI PANCYTOPENIA, TYPE 4; FANCONI ANEMIA, COMPLEMENTATION GROUP D; FANCD2-Related Fanconi Anemia. Identifiers: Orphanet 84, MedGen C3160738, MONDO:0009214, OMIM 227646.

Allele frequency attached by ClinVar (database versions not stated): gnomAD exomes 0.00001 and 0.00003; ExAC 0.00002; TOPMed 0.00002; gnomAD 0.00003 and 0.00004.

Submissions (2):

Fulgent Genetics
Classification: Uncertain significance for Fanconi anemia complementation group D2. Last evaluated: 2024-05-13. Review status: criteria provided, single submitter. Criteria: ACMG Guidelines, 2015. Collection method: clinical testing. Allele origin: germline.

Labcorp Genetics (formerly Invitae), Labcorp
Classification: Uncertain significance for Fanconi anemia. Last evaluated: 2022-10-24. Review status: criteria provided, single submitter. Criteria: Invitae Variant Classification Sherloc (09022015). Collection method: clinical testing. Allele origin: germline.
Comment: This sequence change replaces isoleucine, which is neutral and non-polar, with threonine, which is neutral and polar, at codon 573 of the FANCD2 protein (p.Ile573Thr). This variant is present in population databases (rs774801047, gnomAD 0.02%). This variant has not been reported in the literature in individuals affected with FANCD2-related conditions. ClinVar contains an entry for this variant (Variation ID: 1482349). Advanced modeling of protein sequence and biophysical properties (such as structural, functional, and spatial information, amino acid conservation, physicochemical variation, residue mobility, and thermodynamic stability) performed at Invitae indicates that this missense variant is expected to disrupt FANCD2 protein function. In summary, the available evidence is currently insufficient to determine the role of this variant in disease. Therefore, it has been classified as a Variant of Uncertain Significance.